The following is an entry in ClinVar:

NM_000038.6(APC):c.835-1G>A

Gene: APC (APC regulator of Wnt signaling pathway; plus strand). Cytogenetic location: 5q22.2.
Variant type: single nucleotide variant.
Coding change: c.835-1G>A on transcript NM_000038.6 (MANE Select); the canonical splice acceptor site of the intron before coding-DNA position 835, G replaced by A.
Molecular consequence: splice acceptor variant.
Genome position (GRCh38, 1-based): chr5:112,815,494, G>A. VCF-style: chr5-112815494-G-A. GRCh37 (hg19) VCF-style: chr5-112151191-G-A.
Other names: c.-15-1G>A (NM_001407470.1, NM_001407472.1, NM_001354906.2 and 1 more transcripts); c.835-1G>A (NM_001407447.1, NM_001354895.2, NM_001407456.1 and 12 more transcripts); c.751-1G>A (NM_001407452.1, NM_001407469.1, NM_001354899.2 and 1 more transcripts); c.865-1G>A (NM_001407446.1, NM_001354897.2, NM_001354902.2); c.781-1G>A (NM_001127511.3); c.658-1G>A (NM_001407453.1, NM_001354900.2, NM_001354901.2 and 1 more transcripts); c.760-1G>A (NM_001407451.1, NM_001354898.2, NM_001354904.2).
Identifiers: ClinVar variation 1050175 (VCV001050175.3), dbSNP rs2149762252, ClinGen allele CA360619008.

ClinVar aggregate classification (germline): Pathogenic/Likely pathogenic. Review status: criteria provided, multiple submitters, no conflicts (2 of 4 stars). 3 submissions from 3 submitters: Pathogenic (1); Likely pathogenic (1). 1 of the submissions does not count toward it. Last evaluated 2026-02-25.

Conditions:
Hereditary cancer-predisposing syndrome. Also called: Neoplastic Syndromes, Hereditary; Hereditary Cancer Syndrome; Hereditary neoplastic syndrome; Tumor predisposition. Identifiers: Orphanet 140162, MedGen C0027672, MeSH D009386, MONDO:0015356.
Familial adenomatous polyposis 1 (FAP1). Also called: FAMILIAL ADENOMATOUS POLYPOSIS 1, ATTENUATED; POLYPOSIS, ADENOMATOUS INTESTINAL. Identifiers: MedGen C2713442, MONDO:0021056, OMIM 175100. Disease mechanism: loss of function.

Submissions (3):

Myriad Genetics, Inc.
Classification: Pathogenic for Familial adenomatous polyposis 1. Last evaluated: 2026-02-25. Review status: criteria provided, single submitter. Criteria: Myriad Autosomal Dominant, Autosomal Recessive and X-Linked Classification Criteria (2023). Collection method: clinical testing. Allele origin: unknown.
Comment: This variant is considered pathogenic. This variant occurs within a consensus splice junction and is predicted to result in abnormal mRNA splicing of either an out-of-frame exon or an in-frame exon necessary for protein stability and/or normal function. Functional studies indicate this variant impacts protein function [PMID: 12362034]. This variant has shown to segregate with cancer in one or more families [PMID: 12362034].

Color Diagnostics, LLC DBA Color Health
Classification: Likely pathogenic for Hereditary cancer-predisposing syndrome. Last evaluated: 2025-10-28. Review status: criteria provided, single submitter. Criteria: ACMG Guidelines, 2015. Collection method: clinical testing. Allele origin: germline.
Comment: This variant causes a G>A nucleotide substitution at the -1 position of intron 8 of the APC gene. Splice site prediction tools suggest that this variant may have a significant impact on RNA splicing and indicate that the canonical splice site will be abolished and a de novo acceptor site created 1 basepair downstream will be utilized. Although this prediction has not been confirmed in published RNA studies, this variant is expected to result in an absent or disrupted protein product. This variant has been reported in individuals affected with familial adenomatous polyposis (PMID: 12362034, 20685668). It has been shown that this variant segregates with disease (PMID: 12362034). This variant has not been identified in the general population by the Genome Aggregation Database (gnomAD). Based on the available evidence, this variant is classified as Likely Pathogenic.

Department of Pathology and Laboratory Medicine, Sinai Health System
Classification: Uncertain significance. Review status: no assertion criteria provided. Collection method: clinical testing. Allele origin: unknown. Affected: yes. Observed: 1 variant allele. Study: The Canadian Open Genetics Repository (COGR). Not counted in ClinVar's aggregate classification.

Literature cited by the submitters: PubMed 12362034 (cited by Myriad Genetics, Inc. and Color Diagnostics, LLC DBA Color Health); PubMed 20685668 (cited by Color Diagnostics, LLC DBA Color Health).